The following is an entry in ClinVar:

NM_001267550.2(TTN):c.42007C>T (p.Leu14003Phe)

Gene: TTN (titin; minus strand). Cytogenetic location: 2q31.2.
Variant type: single nucleotide variant.
Coding change: c.42007C>T on transcript NM_001267550.2 (MANE Select); coding-DNA position 42007, C replaced by T.
Protein change: p.Leu14003Phe; replaces leucine 14003 with phenylalanine.
Molecular consequence: missense variant.
Genome position (GRCh38, 1-based): chr2:178,635,182, G>A on the plus strand (C>T on the coding strand, the complement: TTN is on the minus strand). VCF-style: chr2-178635182-G-A. GRCh37 (hg19) VCF-style: chr2-179499909-G-A.
Other names: c.37084C>T, p.Leu12362Phe (NM_001256850.1); c.14812C>T, p.Leu4938Phe (NM_003319.4); c.34303C>T, p.Leu11435Phe (NM_133378.4); c.15187C>T, p.Leu5063Phe (NM_133432.3); c.15388C>T, p.Leu5130Phe (NM_133437.4); short protein forms L11435F, L14003F, L4938F, L5130F, L12362F, L5063F.
Identifiers: ClinVar variation 191970 (VCV000191970.2), dbSNP rs767585297, ClinGen allele CA237995.

ClinVar aggregate classification (germline): Uncertain significance. Review status: criteria provided, multiple submitters, no conflicts (2 of 4 stars). 2 submissions from 2 submitters: Uncertain significance (2). Last evaluated 2025-10-23.

Conditions:
TTN-related disorder. Also called: TTN-related condition; TTN-related disease; TTN-related disorders.

Allele frequency attached by ClinVar (database versions not stated): gnomAD exomes below 0.00001 and 0.00001; gnomAD 0.00001; ExAC 0.00002; TOPMed 0.00003.
gnomAD v4.1: 5 of 1,612,838 alleles (0.00031%); highest among the groups gnomAD compares: Admixed American, 0.0017%; no homozygotes.

Submissions (2):

PreventionGenetics, part of Exact Sciences
Classification: Uncertain significance for TTN-related condition. Last evaluated: 2025-10-23. Review status: criteria provided, single submitter. Criteria: ACMG Guidelines, 2015. Collection method: clinical testing. Allele origin: germline.
Comment: The TTN c.42007C>T variant is predicted to result in the amino acid substitution p.Leu14003Phe. To our knowledge, this variant has not been reported in the literature. This variant is reported in 0.0065% of alleles in individuals of African descent in gnomAD. At this time, the clinical significance of this variant is uncertain due to the absence of conclusive functional and genetic evidence.

Biesecker Lab/Clinical Genomics Section, National Institutes of Health
Classification: Uncertain significance. Last evaluated: 2013-06-24. Review status: criteria provided, single submitter. Criteria: Ng et al. (Circ Cardiovasc Genet. 2013). Collection method: research. Allele origin: unknown. Observed: 1 variant allele. Study: ClinSeq.
Comment: The study set was not selected for affection status in relation to any cancer. Pathogenicity categories were based on literature curation. See Pubmed ID:23861362 for details.

Medical sequencing